The following is an entry in ClinVar:

NM_000069.3(CACNA1S):c.2906+4C>T

Gene: CACNA1S (calcium voltage-gated channel subunit alpha1 S; minus strand). Cytogenetic location: 1q32.1.
Variant type: single nucleotide variant.
Coding change: c.2906+4C>T on transcript NM_000069.3 (MANE Select); 4 bases into the intron after coding-DNA position 2906, C replaced by T.
Molecular consequence: intron variant.
Genome position (GRCh38, 1-based): chr1:201,062,458, G>A on the plus strand (C>T on the coding strand, the complement: CACNA1S is on the minus strand). VCF-style: chr1-201062458-G-A. GRCh37 (hg19) VCF-style: chr1-201031586-G-A.
Identifiers: ClinVar variation 4786747 (VCV004786747.1).

ClinVar aggregate classification (germline): Uncertain significance (1 of 4 stars; one submission).

Conditions:
Malignant hyperthermia, susceptibility to, 5 (MHS5). Also called: CACNA1S-Related Malignant Hyperthermia Susceptibility. Identifiers: Orphanet 423, MedGen C1866077, MONDO:0011163, OMIM 601887.
Hypokalemic periodic paralysis, type 1. Also called: HypoPP; Hypokalemic Periodic Paralysis Type 1 (AD). Identifiers: Orphanet 681, MedGen C3714580, MONDO:0042979, OMIM 170400.

Submission:

Labcorp Genetics (formerly Invitae), Labcorp
Classification: Uncertain significance for Hypokalemic periodic paralysis, type 1; Malignant hyperthermia, susceptibility to, 5. Last evaluated: 2025-11-24. Review status: criteria provided, single submitter. Criteria: Invitae Variant Classification Sherloc (09022015). Collection method: clinical testing. Allele origin: germline.
Comment: This sequence change falls in intron 23 of the CACNA1S gene. It does not directly change the encoded amino acid sequence of the CACNA1S protein. It affects a nucleotide within the consensus splice site. This variant is not present in population databases (gnomAD no frequency). This variant has not been reported in the literature in individuals affected with CACNA1S-related conditions. Variants that disrupt the consensus splice site are a relatively common cause of aberrant splicing (PMID: 17576681, 9536098). Algorithms developed to predict the effect of sequence changes on RNA splicing suggest that this variant is not likely to affect RNA splicing. In summary, the available evidence is currently insufficient to determine the role of this variant in disease. Therefore, it has been classified as a Variant of Uncertain Significance.

Literature cited by the submitters: PubMed 17576681; PubMed 9536098.